The following is an entry in ClinVar:

ClinVar aggregate classification (germline): Uncertain significance (1 of 4 stars; one submission).

Submission:

Labcorp Genetics (formerly Invitae), Labcorp
Classification: Uncertain significance. Last evaluated: 2021-08-07. Review status: criteria provided, single submitter. Criteria: Invitae Variant Classification Sherloc (09022015). Collection method: clinical testing. Allele origin: germline.
Comment: In summary, the available evidence is currently insufficient to determine the role of this variant in disease. Therefore, it has been classified as a Variant of Uncertain Significance. Advanced modeling of protein sequence and biophysical properties (such as structural, functional, and spatial information, amino acid conservation, physicochemical variation, residue mobility, and thermodynamic stability) performed at Invitae indicates that this missense variant is not expected to disrupt CACNA1E protein function. This variant has not been reported in the literature in individuals affected with CACNA1E-related conditions. This variant is not present in population databases (ExAC no frequency). This sequence change replaces serine with phenylalanine at codon 933 of the CACNA1E protein (p.Ser933Phe). The serine residue is weakly conserved and there is a large physicochemical difference between serine and phenylalanine.

NM_001205293.3(CACNA1E):c.2798C>T (p.Ser933Phe)

Gene: CACNA1E (calcium voltage-gated channel subunit alpha1 E; plus strand). Cytogenetic location: 1q25.3.
Variant type: single nucleotide variant.
Coding change: c.2798C>T on transcript NM_001205293.3 (MANE Select); coding-DNA position 2798, C replaced by T.
Protein change: p.Ser933Phe; replaces serine 933 with phenylalanine.
Molecular consequence: missense variant.
Genome position (GRCh38, 1-based): chr1:181,732,884, C>T. VCF-style: chr1-181732884-C-T. GRCh37 (hg19) VCF-style: chr1-181702020-C-T.
Other names: c.2798C>T, p.Ser933Phe (NM_000721.4); c.2741C>T, p.Ser914Phe (NM_001205294.2); short protein forms S933F, S914F.
Identifiers: ClinVar variation 1481497 (VCV001481497.6), dbSNP rs2102553017, ClinGen allele CA343619015.
Genomic context (GRCh38, chr1:181,732,884, plus strand): 5'-GGCACAGGCAGAGCCAACGGCGCAGCCGGCATCGCCGCGTCAGGACAGAAGGCAAGGAGT[C>T]CTCTTCAGCCTCCCGGAGCAGGTCTGCCAGCCAGGAACGCAGTCTGGATGAAGCCATGCC-3'
Protein context (NP_001192222.1, residues 923-943): HRRVRTEGKE[Ser933Phe]SSASRSRSAS